The following is an entry in ClinVar:

ClinVar aggregate classification (germline): Uncertain significance (1 of 4 stars; one submission).

Allele frequency attached by ClinVar (database versions not stated): gnomAD exomes below 0.00001; TOPMed 0.00002.
gnomAD v4.1: 2 of 1,613,898 alleles (0.00012%); highest among the groups gnomAD compares: Admixed American, 0.0017%; no homozygotes.

Submission:

Labcorp Genetics (formerly Invitae), Labcorp
Classification: Uncertain significance. Last evaluated: 2022-12-06. Review status: criteria provided, single submitter. Criteria: Invitae Variant Classification Sherloc (09022015). Collection method: clinical testing. Allele origin: germline.
Comment: In summary, the available evidence is currently insufficient to determine the role of this variant in disease. Therefore, it has been classified as a Variant of Uncertain Significance. Algorithms developed to predict the effect of missense changes on protein structure and function are either unavailable or do not agree on the potential impact of this missense change (SIFT: "Tolerated"; PolyPhen-2: "Possibly Damaging"; Align-GVGD: "Class C0"). This variant has not been reported in the literature in individuals affected with SULF1-related conditions. This variant is present in population databases (no rsID available, gnomAD 0.006%). This sequence change replaces glutamine, which is neutral and polar, with lysine, which is basic and polar, at codon 262 of the SULF1 protein (p.Gln262Lys).

NM_001128205.2(SULF1):c.784C>A (p.Gln262Lys)

Gene: SULF1 (sulfatase 1; plus strand). Cytogenetic location: 8q13.3.
Variant type: single nucleotide variant.
Coding change: c.784C>A on transcript NM_001128205.2 (MANE Select); coding-DNA position 784, C replaced by A.
Protein change: p.Gln262Lys; replaces glutamine 262 with lysine.
Molecular consequence: missense variant. On other transcripts: non-coding transcript variant (3).
Genome position (GRCh38, 1-based): chr8:69,600,652, C>A. VCF-style: chr8-69600652-C-A. GRCh37 (hg19) VCF-style: chr8-70512887-C-A.
Other names: c.784C>A, p.Gln262Lys (NM_001128204.2, NM_001128206.2, NM_001412828.1 and 19 more transcripts); c.598C>A, p.Gln200Lys (NM_001412841.1, NM_001412842.1); c.184C>A, p.Gln62Lys (NM_001412844.1, NM_001412845.1); c.-992C>A (NM_001412846.1); short protein forms Q262K, Q200K, Q62K.
Identifiers: ClinVar variation 2135478 (VCV002135478.4), dbSNP rs1490869933, ClinGen allele CA371225954.